The following is an entry in ClinVar:

ClinVar aggregate classification (germline): Uncertain significance. Review status: criteria provided, multiple submitters, no conflicts (2 of 4 stars). 3 submissions from 3 submitters: Uncertain significance (3). Last evaluated 2024-09-12.

Allele frequency attached by ClinVar (database versions not stated): gnomAD 0.00001; gnomAD exomes 0.00001; TOPMed 0.00004.

Submissions (3):

Blueprint Genetics
Classification: Uncertain significance. Last evaluated: 2024-09-12. Review status: criteria provided, single submitter. Criteria: ACMG Guidelines, 2015. Collection method: clinical testing. Allele origin: germline.

Mayo Clinic Laboratories, Mayo Clinic
Classification: Uncertain significance. Last evaluated: 2023-11-28. Review status: criteria provided, single submitter. Criteria: ACMG Guidelines, 2015. Collection method: clinical testing. Allele origin: germline. Observed: 1 variant allele.
Comment: PM2_moderate

Labcorp Genetics (formerly Invitae), Labcorp
Classification: Uncertain significance. Last evaluated: 2023-05-08. Review status: criteria provided, single submitter. Criteria: Invitae Variant Classification Sherloc (09022015). Collection method: clinical testing. Allele origin: germline.
Comment: In summary, the available evidence is currently insufficient to determine the role of this variant in disease. Therefore, it has been classified as a Variant of Uncertain Significance. Advanced modeling of protein sequence and biophysical properties (such as structural, functional, and spatial information, amino acid conservation, physicochemical variation, residue mobility, and thermodynamic stability) performed at Invitae indicates that this missense variant is not expected to disrupt NKX6-2 protein function. ClinVar contains an entry for this variant (Variation ID: 1507338). This variant has not been reported in the literature in individuals affected with NKX6-2-related conditions. The frequency data for this variant in the population databases is considered unreliable, as metrics indicate poor data quality at this position in the gnomAD database. This sequence change replaces valine, which is neutral and non-polar, with methionine, which is neutral and non-polar, at codon 121 of the NKX6-2 protein (p.Val121Met).

NM_177400.3(NKX6-2):c.361G>A (p.Val121Met)

Gene: NKX6-2 (NK6 homeobox 2; minus strand). Cytogenetic location: 10q26.3.
Variant type: single nucleotide variant.
Coding change: c.361G>A on transcript NM_177400.3 (MANE Select); coding-DNA position 361, G replaced by A.
Protein change: p.Val121Met; replaces valine 121 with methionine.
Molecular consequence: missense variant.
Genome position (GRCh38, 1-based): chr10:132,785,588, C>T on the plus strand (G>A on the coding strand, the complement: NKX6-2 is on the minus strand). VCF-style: chr10-132785588-C-T. GRCh37 (hg19) VCF-style: chr10-134599092-C-T.
Other names: p.Val121Met; short protein forms V121M.
Identifiers: ClinVar variation 1507338 (VCV001507338.9), dbSNP rs1035570244, ClinGen allele CA216760302.